The following is an entry in ClinVar:

ClinVar aggregate classification (germline): Uncertain significance (1 of 4 stars; one submission).

Conditions:
Dilated cardiomyopathy 1G (CMD1G). Identifiers: Orphanet 154, MedGen C1858763, MONDO:0011400, OMIM 604145.
Autosomal recessive limb-girdle muscular dystrophy type 2J (LGMDR10). Also called: Limb-girdle muscular dystrophy, type 2J; MUSCULAR DYSTROPHY, LIMB-GIRDLE, AUTOSOMAL RECESSIVE 10. Identifiers: Orphanet 140922, MedGen C1837342, MONDO:0012127, OMIM 608807.

Allele frequency attached by ClinVar (database versions not stated): TOPMed below 0.00001; gnomAD 0.00001 and 0.00002; gnomAD exomes 0.00001.
gnomAD v4.1: 16 of 1,613,754 alleles (0.00099%); highest among the groups gnomAD compares: South Asian, 0.011%; no homozygotes.

Submission:

Labcorp Genetics (formerly Invitae), Labcorp
Classification: Uncertain significance for Dilated cardiomyopathy 1G; Autosomal recessive limb-girdle muscular dystrophy type 2J. Last evaluated: 2025-09-03. Review status: criteria provided, single submitter. Criteria: Invitae Variant Classification Sherloc (09022015). Collection method: clinical testing. Allele origin: germline.
Comment: This sequence change replaces isoleucine, which is neutral and non-polar, with threonine, which is neutral and polar, at codon 33869 of the TTN protein (p.Ile33869Thr). This variant is present in population databases (no rsID available, gnomAD 0.003%). This variant has not been reported in the literature in individuals affected with TTN-related conditions. ClinVar contains an entry for this variant (Variation ID: 1437461). An algorithm developed to predict the effect of missense changes on protein structure and function outputs the following: PolyPhen-2: "Not Available". The threonine amino acid residue is found in multiple mammalian species, which suggests that this missense change does not adversely affect protein function. This variant is located in the M band of TTN (PMID: 25589632). Non-truncating variants in this region may be relevant for neuromuscular disorders, but have not been definitively shown to cause cardiomyopathy (PMID: 23975875). In summary, the available evidence is currently insufficient to determine the role of this variant in disease. Therefore, it has been classified as a Variant of Uncertain Significance.

Literature cited by the submitters: PubMed 25589632; PubMed 23975875.

NM_001267550.2(TTN):c.101606T>C (p.Ile33869Thr)

Genes: TTN (titin; minus strand), TTN-AS1 (TTN antisense RNA 1; plus strand). Cytogenetic location: 2q31.2.
Variant type: single nucleotide variant.
Coding change: c.101606T>C on transcript NM_001267550.2 (MANE Select); coding-DNA position 101606, T replaced by C.
Protein change: p.Ile33869Thr; replaces isoleucine 33869 with threonine.
Molecular consequence: missense variant.
Genome position (GRCh38, 1-based): chr2:178,535,009, A>G on the plus strand (T>C on the coding strand, the complement: TTN is on the minus strand). VCF-style: chr2-178535009-A-G. GRCh37 (hg19) VCF-style: chr2-179399736-A-G.
Other names: c.96683T>C, p.Ile32228Thr (NM_001256850.1); c.74411T>C, p.Ile24804Thr (NM_003319.4); c.93902T>C, p.Ile31301Thr (NM_133378.4); c.74786T>C, p.Ile24929Thr (NM_133432.3); c.74987T>C, p.Ile24996Thr (NM_133437.4); short protein forms I24804T, I24929T, I24996T, I31301T, I32228T, I33869T.
Identifiers: ClinVar variation 1437461 (VCV001437461.8), dbSNP rs1253957228, ClinGen allele CA349420245.